The following is an entry in ClinVar:

ClinVar aggregate classification (germline): Pathogenic/Likely pathogenic. Review status: criteria provided, multiple submitters, no conflicts (2 of 4 stars). 3 submissions from 3 submitters: Pathogenic (2); Likely pathogenic (1). Last evaluated 2025-01-21.

Conditions:
Asphyxiating thoracic dystrophy 3. Also called: Saldino-Noonan Syndrome; SHORT-RIB THORACIC DYSPLASIA 3 WITH OR WITHOUT POLYDACTYLY; POLYDACTYLY WITH NEONATAL CHONDRODYSTROPHY, TYPE I; SHORT-RIB THORACIC DYSPLASIA 3/6 WITH POLYDACTYLY, DIGENIC; Short rib polydactyly syndrome 2B. Identifiers: Orphanet 474, Orphanet 93269, Orphanet 93270, Orphanet 93271, MedGen C0036069, MONDO:0013127, OMIM 613091.
Jeune thoracic dystrophy. Also called: Jeune syndrome; Infantile thoracic dystrophy; Thoracic pelvic phalangeal dystrophy; Jeune's syndrome; Chondroectodermal dysplasia-like syndrome; Short-rib thoracic dysplasia. Identifiers: Orphanet 474, MedGen C0265275, MONDO:0018770.

Submissions (3):

3billion
Classification: Pathogenic for Asphyxiating thoracic dystrophy 3. Last evaluated: 2025-01-21. Review status: criteria provided, single submitter. Criteria: ACMG Guidelines, 2015. Collection method: clinical testing. Allele origin: germline. Affected: yes.
Comment: The variant is observed at an extremely low frequency in the gnomAD v4.1.0 dataset (total allele frequency: <0.001%). Predicted Consequence/Location: Frameshift: predicted to result in a loss or disruption of normal protein function through nonsense-mediated decay (NMD) or protein truncation. Multiple pathogenic variants are reported downstream of the variant. The variant has been reported at least twice as pathogenic without evidence for the classification (ClinVar ID: VCV002992226). Therefore, this variant is classified as Pathogenic according to the recommendation of ACMG/AMP guideline.

Fulgent Genetics
Classification: Likely pathogenic for Asphyxiating thoracic dystrophy 3. Last evaluated: 2024-04-09. Review status: criteria provided, single submitter. Criteria: ACMG Guidelines, 2015. Collection method: clinical testing. Allele origin: germline.

Labcorp Genetics (formerly Invitae), Labcorp
Classification: Pathogenic for Jeune thoracic dystrophy. Last evaluated: 2023-08-27. Review status: criteria provided, single submitter. Criteria: Invitae Variant Classification Sherloc (09022015). Collection method: clinical testing. Allele origin: germline.
Comment: For these reasons, this variant has been classified as Pathogenic. This variant has not been reported in the literature in individuals affected with DYNC2H1-related conditions. This variant is not present in population databases (gnomAD no frequency). This sequence change creates a premature translational stop signal (p.Arg1881Serfs*2) in the DYNC2H1 gene. It is expected to result in an absent or disrupted protein product. Loss-of-function variants in DYNC2H1 are known to be pathogenic (PMID: 23339108, 32753734, 33755199).

Literature cited by the submitters: PubMed 23339108 (cited by Labcorp Genetics (formerly Invitae), Labcorp); PubMed 32753734 (cited by Labcorp Genetics (formerly Invitae), Labcorp); PubMed 33755199 (cited by Labcorp Genetics (formerly Invitae), Labcorp).

NM_001377.3(DYNC2H1):c.5643_5646del (p.Arg1881fs)

Gene: DYNC2H1 (dynein cytoplasmic 2 heavy chain 1; plus strand). Cytogenetic location: 11q22.3.
Variant type: Deletion.
Coding change: c.5643_5646del on transcript NM_001377.3 (MANE Select); coding-DNA positions 5643 to 5646, 4 bases deleted (ACAG; older notation c.5643_5646delACAG).
Protein change: p.Arg1881fs; shifts the reading frame from arginine 1881.
Molecular consequence: frameshift variant.
Genome position (GRCh38, 1-based): chr11:103,174,139-103,174,142, ACAG deleted; deleting any 4 consecutive bases within chr11:103,174,137-103,174,142 gives the same sequence; the c. name uses the placement nearest the transcript's 3' end. VCF-style (leftmost placement, unchanged base first): chr11-103174136-TAGAC-T. GRCh37 (hg19) VCF-style: chr11-103044865-TAGAC-T.
Other names: c.5643_5646del, p.Arg1881fs (NM_001080463.2); short protein forms R1881fs.
Identifiers: ClinVar variation 2992226 (VCV002992226.5), dbSNP rs2497158423, ClinGen allele CA2615745183.
Genomic context (GRCh38, chr11:103,174,136, plus strand): 5'-ACATTATGATTGGGGTTTGAGAGCTTTGAAGACAGTTCTGAGAGGAAGTGGAAATCTCCT[TAGAC>T]AGCTAAACAAAAGTGGCACTACACAGAATGGTATGATTGATTATTCCAAATACATTAACT-3'